The following is an entry in ClinVar:

ClinVar aggregate classification (germline): Uncertain significance (1 of 4 stars; one submission).

Conditions:
Neuroblastoma, susceptibility to, 3. Also called: ALK-Related Neuroblastic Tumor Susceptibility. Identifiers: Orphanet 635, MedGen C2751681, MONDO:0013083, OMIM 613014.

Allele frequency attached by ClinVar (database versions not stated): gnomAD exomes below 0.00001.
gnomAD v4.1: 1 of 1,614,098 alleles (0.000062%); highest among the groups gnomAD compares: Non-Finnish European, 0.000085%; no homozygotes.

Submission:

Labcorp Genetics (formerly Invitae), Labcorp
Classification: Uncertain significance for Neuroblastoma, susceptibility to, 3. Last evaluated: 2019-08-14. Review status: criteria provided, single submitter. Criteria: Invitae Variant Classification Sherloc (09022015). Collection method: clinical testing. Allele origin: germline.
Comment: This sequence change replaces threonine with alanine at codon 442 of the ALK protein (p.Thr442Ala). The threonine residue is highly conserved and there is a small physicochemical difference between threonine and alanine. This variant is not present in population databases (ExAC no frequency). This variant has not been reported in the literature in individuals with ALK-related conditions. Algorithms developed to predict the effect of missense changes on protein structure and function are either unavailable or do not agree on the potential impact of this missense change (SIFT: "Deleterious"; PolyPhen-2: "Benign"; Align-GVGD: "Class C0"). In summary, the available evidence is currently insufficient to determine the role of this variant in disease. Therefore, it has been classified as a Variant of Uncertain Significance.

NM_004304.5(ALK):c.1324A>G (p.Thr442Ala)

Gene: ALK (ALK receptor tyrosine kinase; minus strand). Cytogenetic location: 2p23.2.
Variant type: single nucleotide variant.
Coding change: c.1324A>G on transcript NM_004304.5 (MANE Select); coding-DNA position 1324, A replaced by G.
Protein change: p.Thr442Ala; replaces threonine 442 with alanine.
Molecular consequence: missense variant.
Genome position (GRCh38, 1-based): chr2:29,328,440, T>C on the plus strand (A>G on the coding strand, the complement: ALK is on the minus strand). VCF-style: chr2-29328440-T-C. GRCh37 (hg19) VCF-style: chr2-29551306-T-C.
Other names: short protein forms T442A.
Identifiers: ClinVar variation 941111 (VCV000941111.9), dbSNP rs1667340141, ClinGen allele CA346474425.